The following is an entry in ClinVar:

NM_000222.3(KIT):c.1694G>T (p.Gly565Val)

Gene: KIT (KIT proto-oncogene, receptor tyrosine kinase; plus strand). Cytogenetic location: 4q12.
Variant type: single nucleotide variant.
Coding change: c.1694G>T on transcript NM_000222.3 (MANE Select); coding-DNA position 1694, G replaced by T.
Protein change: p.Gly565Val; replaces glycine 565 with valine.
Molecular consequence: missense variant.
Genome position (GRCh38, 1-based): chr4:54,727,462, G>T. VCF-style: chr4-54727462-G-T. GRCh37 (hg19) VCF-style: chr4-55593628-G-T.
Other names: c.1682G>T, p.Gly561Val (NM_001093772.2, NM_001385286.1); c.1697G>T, p.Gly566Val (NM_001385284.1, NM_001385290.1); c.1694G>T, p.Gly565Val (NM_001385285.1); c.1685G>T, p.Gly562Val (NM_001385288.1, NM_001385292.1); short protein forms G565V, G561V, G562V, G566V.
Identifiers: ClinVar variation 41600 (VCV000041600.30), dbSNP rs200945282, ClinGen allele CA215587.

ClinVar aggregate classification (germline): Conflicting classifications of pathogenicity. Review status: criteria provided, conflicting classifications (1 of 4 stars). 12 submissions from 10 submitters: Uncertain significance (4); Benign (2); Likely benign (3). 3 of the submissions do not count toward it. Last evaluated 2026-05-27.

Conditions:
KIT-related disorder. Also called: KIT-related condition.
Mastocytosis. Also called: Mast Cell Disease. Identifiers: Orphanet 98292, MedGen C0024899, MONDO:0007950, HP:0100495.
Gastrointestinal stromal tumor. Also called: Gastrointestinal stromal tumor, somatic; Gastrointestinal stroma tumor. Identifiers: Orphanet 44890, MedGen C0238198, MeSH D046152, MONDO:0011719, OMIM 606764, HP:0100723.
Hereditary cancer-predisposing syndrome. Also called: Hereditary Cancer Syndrome; Tumor predisposition; Neoplastic Syndromes, Hereditary; Hereditary neoplastic syndrome. Identifiers: Orphanet 140162, MedGen C0027672, MeSH D009386, MONDO:0015356.
Piebaldism. Also called: Piebald skin depigmentation. Identifiers: Orphanet 2884, MedGen C0080024, MONDO:0008244, OMIM 172800, HP:0007544.

Allele frequency attached by ClinVar (database versions not stated): gnomAD exomes 0.00008 and 0.00018; TOPMed 0.00008; gnomAD 0.00009; ExAC 0.00013.
gnomAD v4.1: 135 of 1,613,736 alleles (0.0084%); highest among the groups gnomAD compares: Non-Finnish European, 0.0016%; no homozygotes.

Submissions (12):

Myriad Genetics, Inc.
Classification: Likely benign for Gastrointestinal stromal tumor. Last evaluated: 2026-05-27. Review status: criteria provided, single submitter. Criteria: Myriad Autosomal Dominant, Autosomal Recessive and X-Linked Classification Criteria (2023). Collection method: clinical testing. Allele origin: unknown.
Comment: This variant is considered likely benign. This variant has been observed at a population frequency that is significantly greater than expected given the associated disease prevalence and penetrance.

Labcorp Genetics (formerly Invitae), Labcorp
Classification: Benign for Gastrointestinal stromal tumor. Last evaluated: 2026-01-30. Review status: criteria provided, single submitter. Criteria: Invitae Variant Classification Sherloc (09022015). Collection method: clinical testing. Allele origin: germline.

GeneDx
Classification: Uncertain significance. Last evaluated: 2023-03-15. Review status: criteria provided, single submitter. Criteria: GeneDx Variant Classification Process June 2021. Collection method: clinical testing. Allele origin: germline. Affected: yes.
Comment: In silico analysis supports that this missense variant has a deleterious effect on protein structure/function; Has not been previously published as pathogenic or benign germline variant associated with KIT-related disorders to our knowledge; This variant is associated with the following publications: (PMID: 22703879, 24968822, 28288036)

Ambry Genetics
Classification: Likely benign for Hereditary cancer-predisposing syndrome. Last evaluated: 2023-02-16. Review status: criteria provided, single submitter. Criteria: Ambry Variant Classification Scheme 2023. Collection method: clinical testing. Allele origin: germline.

Sema4
Classification: Uncertain significance for Hereditary cancer-predisposing syndrome. Last evaluated: 2022-01-19. Review status: criteria provided, single submitter. Criteria: Sema4 Curation Guidelines. Collection method: curation. Allele origin: germline.
Comment: To the best of our knowledge, the KIT c.1694G>T (p.G565V) variant has not been reported as a germline variant in individuals with KIT-related disease. This variant was observed in 40/10346 chromosomes in the Ashkenazi Jewish population, with no homozygotes, according to the Genome Aggregation Database (PMID: 32461654) and has been reported in ClinVar (Variation ID: 41600). In silico tools suggest the impact of the variant on protein function is deleterious, though these predictions have not been confirmed by functional studies. Based on the current evidence available, this variant is interpreted as a variant of uncertain significance.

Baylor Genetics
Classification: Uncertain significance for Gastrointestinal stromal tumor. Last evaluated: 2019-07-31. Review status: criteria provided, single submitter. Criteria: ACMG Guidelines, 2015. Collection method: clinical testing. Allele origin: maternal. Affected: yes. Study: CSER-TexasKidsCanSeq.
Comment: This variant was determined to be of uncertain significance according to ACMG Guidelines, 2015 [PMID:25741868].

Illumina Laboratory Services, Illumina
Classification: Benign for Cutaneous mastocytosis. Last evaluated: 2017-04-27. Review status: criteria provided, single submitter. Criteria: ICSL Variant Classification Criteria 13 December 2019. Collection method: clinical testing. Allele origin: germline.
Comment: This variant was observed as part of a predisposition screen in an ostensibly healthy population. A literature search was performed for the gene, cDNA change, and amino acid change (where applicable). No publications were found based on this search. Allele frequency data from public databases was too high to be consistent with this variant causing disease. Therefore, this variant is classified as benign.

Illumina Laboratory Services, Illumina
Classification: Likely benign for Gastrointestinal stromal tumor. Last evaluated: 2017-04-27. Review status: criteria provided, single submitter. Criteria: ICSL Variant Classification Criteria 13 December 2019. Collection method: clinical testing. Allele origin: germline.
Comment: This variant was observed as part of a predisposition screen in an ostensibly healthy population. A literature search was performed for the gene, cDNA change, and amino acid change (where applicable). No publications were found based on this search. Allele frequency data from public databases allowed determination this variant is unlikely to cause disease. Therefore, this variant is classified as likely benign.

Illumina Laboratory Services, Illumina
Classification: Uncertain significance for Piebaldism. Last evaluated: 2017-04-27. Review status: criteria provided, single submitter. Criteria: ICSL Variant Classification Criteria 13 December 2019. Collection method: clinical testing. Allele origin: germline.

PreventionGenetics, part of Exact Sciences
Classification: Likely benign for KIT-related condition. Last evaluated: 2023-05-23. Review status: no assertion criteria provided. Collection method: clinical testing. Allele origin: germline. Not counted in ClinVar's aggregate classification.
Comment: This variant is classified as likely benign based on ACMG/AMP sequence variant interpretation guidelines (Richards et al. 2015 PMID: 25741868, with internal and published modifications).

Biesecker Lab/Clinical Genomics Section, National Institutes of Health
Classification: Uncertain significance. Last evaluated: 2012-07-13. Review status: no assertion criteria provided. Collection method: research. Allele origin: germline. Affected: no. Observed: 1 variant allele. Study: ClinSeq. Not counted in ClinVar's aggregate classification.
ClinVar note: Converted during submission from variant of unknown significance to Uncertain significance.

Department of Pathology and Laboratory Medicine, Sinai Health System
Classification: Uncertain significance. Review status: no assertion criteria provided. Collection method: clinical testing. Allele origin: unknown. Affected: yes. Study: The Canadian Open Genetics Repository (COGR). Not counted in ClinVar's aggregate classification.
Comment: The KIT p.Gly565Val variant was identified in the literature in a melanoma sample, an olfactory neuroblastoma sample, a urinary bladder carcinoma and a patient with acute myeloid leukemia (Smalley_2009_PMID:18794803; Millis_2015_PMID:25178641; Nieto_2015_PMID:24968822; Topcagic_2018_PMID:29324814). The variant was identified in dbSNP (ID: rs200945282) and ClinVar (classified as uncertain significance by Ambry Genetics and Biesecker Lab/Clinical Genomics Section, National Institutes of Health, and as benign by Invitae). The variant was identified in control databases in 43 of 267700 chromosomes at a frequency of 0.0001606 (Genome Aggregation Database March 6, 2019, v2.1.1, non-cancer). The variant was observed in the following populations: Ashkenazi Jewish in 37 of 9838 chromosomes (freq: 0.003761), Other in 2 of 6678 chromosomes (freq: 0.0003) and European (non-Finnish) in 4 of 117652 chromosomes (freq: 0.000034), but was not observed in the African, Latino, East Asian, European (Finnish), or South Asian populations. The p.Gly565 residue is conserved across mammals and other organisms, and computational analyses (PolyPhen-2, SIFT, AlignGVGD, BLOSUM, MutationTaster) suggest that the variant may impact the protein; however, this information is not predictive enough to assume pathogenicity. The variant occurs outside of the splicing consensus sequence and in silico or computational prediction software programs (SpliceSiteFinder, MaxEntScan, NNSPLICE, GeneSplicer) do not predict a difference in splicing. In summary, based on the above information the clinical significance of this variant cannot be determined with certainty at this time. This variant is classified as a variant of uncertain significance.